The following is an entry in ClinVar:

ClinVar aggregate classification (germline): Uncertain significance. Review status: criteria provided, multiple submitters, no conflicts (2 of 4 stars). 3 submissions from 3 submitters: Uncertain significance (3). Last evaluated 2025-09-16.

Conditions:
Hereditary cancer-predisposing syndrome. Also called: Neoplastic Syndromes, Hereditary; Tumor predisposition; Hereditary Cancer Syndrome; Hereditary neoplastic syndrome. Identifiers: Orphanet 140162, MedGen C0027672, MeSH D009386, MONDO:0015356.

Allele frequency attached by ClinVar (database versions not stated): TOPMed below 0.00001; gnomAD exomes 0.00001.

Submissions (3):

Labcorp Genetics (formerly Invitae), Labcorp
Classification: Uncertain significance. Last evaluated: 2025-09-16. Review status: criteria provided, single submitter. Criteria: Invitae Variant Classification Sherloc (09022015). Collection method: clinical testing. Allele origin: germline.
Comment: This sequence change replaces methionine, which is neutral and non-polar, with valine, which is neutral and non-polar, at codon 1769 of the POLE protein (p.Met1769Val). This variant is present in population databases (no rsID available, gnomAD 0.003%). This variant has not been reported in the literature in individuals affected with POLE-related conditions. ClinVar contains an entry for this variant (Variation ID: 473723). An algorithm developed to predict the effect of missense changes on protein structure and function (PolyPhen-2) suggests that this variant is likely to be tolerated. In summary, the available evidence is currently insufficient to determine the role of this variant in disease. Therefore, it has been classified as a Variant of Uncertain Significance.

Ambry Genetics
Classification: Uncertain significance for Hereditary cancer-predisposing syndrome. Last evaluated: 2025-03-26. Review status: criteria provided, single submitter. Criteria: Ambry Variant Classification Scheme 2023. Collection method: clinical testing. Allele origin: germline.
Comment: The p.M1769V variant (also known as c.5305A>G), located in coding exon 39 of the POLE gene, results from an A to G substitution at nucleotide position 5305. The methionine at codon 1769 is replaced by valine, an amino acid with highly similar properties. This amino acid position is highly conserved in available vertebrate species. In addition, the in silico prediction for this alteration is inconclusive. Based on the available evidence, the clinical significance of this variant remains unclear.

GeneDx
Classification: Uncertain significance. Last evaluated: 2024-09-26. Review status: criteria provided, single submitter. Criteria: GeneDx Variant Classification Process June 2021. Collection method: clinical testing. Allele origin: germline. Affected: yes.
Comment: Not observed at significant frequency in large population cohorts (gnomAD); In silico analysis indicates that this missense variant does not alter protein structure/function; Has not been previously published as pathogenic or benign to our knowledge

NM_006231.4(POLE):c.5305A>G (p.Met1769Val)

Gene: POLE (DNA polymerase epsilon, catalytic subunit; minus strand). Cytogenetic location: 12q24.33.
Variant type: single nucleotide variant.
Coding change: c.5305A>G on transcript NM_006231.4 (MANE Select); coding-DNA position 5305, A replaced by G.
Protein change: p.Met1769Val; replaces methionine 1769 with valine.
Molecular consequence: missense variant.
Genome position (GRCh38, 1-based): chr12:132,641,720, T>C on the plus strand (A>G on the coding strand, the complement: POLE is on the minus strand). VCF-style: chr12-132641720-T-C. GRCh37 (hg19) VCF-style: chr12-133218306-T-C.
Other names: c.5305A>G (NM_006231.2); short protein forms M1769V.
Identifiers: ClinVar variation 473723 (VCV000473723.12), dbSNP rs1449742140, ClinGen allele CA387376037.